The following is an entry in ClinVar:

ClinVar aggregate classification (germline): Likely benign (0 of 4 stars; one submission).

Conditions:
YBX1-related disorder. Also called: YBX1-related condition.

Allele frequency attached by ClinVar (database versions not stated): TOPMed 0.00007; gnomAD 0.00017; gnomAD exomes 0.00031; ExAC 0.00069; 1000 Genomes Project 30x 0.00109; 1000 Genomes Project 0.00120.

Submission:

PreventionGenetics, part of Exact Sciences
Classification: Likely benign for YBX1-related condition. Last evaluated: 2019-07-31. Review status: no assertion criteria provided. Collection method: clinical testing. Allele origin: germline.
Comment: This variant is classified as likely benign based on ACMG/AMP sequence variant interpretation guidelines (Richards et al. 2015 PMID: 25741868, with internal and published modifications).

NM_004559.5(YBX1):c.507A>G (p.Glu169=)

Gene: YBX1 (Y-box binding protein 1; plus strand). Cytogenetic location: 1p34.2.
Variant type: single nucleotide variant.
Coding change: c.507A>G on transcript NM_004559.5 (MANE Select); coding-DNA position 507, A replaced by G.
Protein change: p.Glu169=; no amino-acid change (glutamic acid 169 retained).
Molecular consequence: synonymous variant. On other transcripts: non-coding transcript variant (1).
Genome position (GRCh38, 1-based): chr1:42,696,794, A>G. VCF-style: chr1-42696794-A-G. GRCh37 (hg19) VCF-style: chr1-43162465-A-G.
Identifiers: ClinVar variation 3035634 (VCV003035634.2), dbSNP rs536995048, ClinGen allele CA801146.